The following is an entry in ClinVar:

ClinVar aggregate classification (germline): Uncertain significance (1 of 4 stars; one submission).

Conditions:
Inborn genetic diseases. Identifiers: MedGen C0950123, MeSH D030342.

gnomAD v4.1: 1 of 1,612,350 alleles (0.000062%); highest among the groups gnomAD compares: Non-Finnish European, 0.000085%; no homozygotes.

Submission:

Ambry Genetics
Classification: Uncertain significance for Inborn genetic diseases. Last evaluated: 2024-12-23. Review status: criteria provided, single submitter. Criteria: Ambry Variant Classification Scheme 2023. Collection method: clinical testing. Allele origin: germline.
Comment: The p.H554Y variant (also known as c.1660C>T), located in coding exon 10 of the RECQL4 gene, results from a C to T substitution at nucleotide position 1660. The histidine at codon 554 is replaced by tyrosine, an amino acid with similar properties. This amino acid position is conserved. In addition, this alteration is predicted to be deleterious by in silico analysis. Based on the available evidence, the clinical significance of this variant remains unclear.

NM_004260.4(RECQL4):c.1660C>T (p.His554Tyr)

Gene: RECQL4 (RecQ like helicase 4; minus strand). Cytogenetic location: 8q24.3.
Variant type: single nucleotide variant.
Coding change: c.1660C>T on transcript NM_004260.4 (MANE Select); coding-DNA position 1660, C replaced by T.
Protein change: p.His554Tyr; replaces histidine 554 with tyrosine.
Molecular consequence: missense variant. On other transcripts: non-coding transcript variant (3).
Genome position (GRCh38, 1-based): chr8:144,514,486, G>A on the plus strand (C>T on the coding strand, the complement: RECQL4 is on the minus strand). VCF-style: chr8-144514486-G-A. GRCh37 (hg19) VCF-style: chr8-145739870-G-A.
Other names: c.1564C>T, p.His522Tyr (NM_001413017.1, NM_001413020.1); c.1660C>T, p.His554Tyr (NM_001413018.1, NM_001413019.1, NM_001413033.1 and 1 more transcripts); c.589C>T, p.His197Tyr (NM_001413021.1, NM_001413022.1, NM_001413023.1 and 7 more transcripts); c.1531C>T, p.His511Tyr (NM_001413025.1); c.523C>T, p.His175Tyr (NM_001413027.1, NM_001413030.1, NM_001413031.1 and 2 more transcripts); c.1309C>T, p.His437Tyr (NM_001413029.1); c.1630C>T, p.His544Tyr (NM_001413039.1); c.559C>T, p.His187Tyr (NM_001413042.1); and 1 more; short protein forms H511Y, H522Y, H544Y, H65Y, H187Y, H197Y, H437Y, H175Y.
Identifiers: ClinVar variation 3787963 (VCV003787963.1).